The following is an entry in ClinVar:

ClinVar aggregate classification (germline): Likely pathogenic (1 of 4 stars; one submission).

Submission:

Labcorp Genetics (formerly Invitae), Labcorp
Classification: Likely pathogenic. Last evaluated: 2023-07-13. Review status: criteria provided, single submitter. Criteria: Invitae Variant Classification Sherloc (09022015). Collection method: clinical testing. Allele origin: germline.
Comment: In summary, the currently available evidence indicates that the variant is pathogenic, but additional data are needed to prove that conclusively. Therefore, this variant has been classified as Likely Pathogenic. This variant has not been reported in the literature in individuals affected with CC2D1A-related conditions. This variant is not present in population databases (gnomAD no frequency). This sequence change affects a donor splice site in intron 27 of the CC2D1A gene. It is expected to disrupt RNA splicing. Variants that disrupt the donor or acceptor splice site typically lead to a loss of protein function (PMID: 16199547), and loss-of-function variants in CC2D1A are known to be pathogenic (PMID: 16033914).

Literature cited by the submitters: PubMed 16199547; PubMed 16033914.

NM_017721.5(CC2D1A):c.2787+1G>A

Gene: CC2D1A (coiled-coil and C2 domain containing 1A; plus strand). Cytogenetic location: 19p13.12.
Variant type: single nucleotide variant.
Coding change: c.2787+1G>A on transcript NM_017721.5 (MANE Select); the canonical splice donor site of the intron after coding-DNA position 2787, G replaced by A.
Molecular consequence: splice donor variant.
Genome position (GRCh38, 1-based): chr19:13,930,155, G>A. VCF-style: chr19-13930155-G-A. GRCh37 (hg19) VCF-style: chr19-14040968-G-A.
Other names: c.2784+1G>A (NM_001411138.1).
Identifiers: ClinVar variation 2743005 (VCV002743005.3), dbSNP rs2513151126, ClinGen allele CA404402747.